The following is an entry in ClinVar:

NM_001972.4(ELANE):c.416C>G (p.Pro139Arg)

Gene: ELANE (elastase, neutrophil expressed; plus strand). Cytogenetic location: 19p13.3.
Variant type: single nucleotide variant.
Coding change: c.416C>G on transcript NM_001972.4 (MANE Select); coding-DNA position 416, C replaced by G.
Protein change: p.Pro139Arg; replaces proline 139 with arginine.
Molecular consequence: missense variant.
Genome position (GRCh38, 1-based): chr19:855,613, C>G. VCF-style: chr19-855613-C-G. GRCh37 (hg19) VCF-style: chr19-855613-C-G.
Other names: short protein forms P139R.
Identifiers: ClinVar variation 2138170 (VCV002138170.28), dbSNP rs137854448, ClinGen allele CA402917946.

ClinVar aggregate classification (germline): Pathogenic. Review status: criteria provided, single submitter (1 of 4 stars). 2 submissions from 2 submitters: Pathogenic (1). 1 of the submissions does not count toward it. Last evaluated 2022-03-14.

Conditions:
Neutropenia, severe congenital, 1, autosomal dominant. Identifiers: MedGen C1859966, MONDO:0042490, OMIM 202700.
Cyclical neutropenia. Also called: Cyclic hematopoiesis; Cyclic Neutropenia. Identifiers: Orphanet 2686, MedGen C0221023, MONDO:0008090, OMIM 162800, HP:0040289. Disease mechanism: loss of function.

Submissions (2):

Labcorp Genetics (formerly Invitae), Labcorp
Classification: Pathogenic for Neutropenia, severe congenital, 1, autosomal dominant; Cyclical neutropenia. Last evaluated: 2022-03-14. Review status: criteria provided, single submitter. Criteria: Invitae Variant Classification Sherloc (09022015). Collection method: clinical testing. Allele origin: germline.
Comment: This variant is not present in population databases (gnomAD no frequency). This sequence change replaces proline, which is neutral and non-polar, with arginine, which is basic and polar, at codon 139 of the ELANE protein (p.Pro139Arg). This missense change has been observed in individual(s) with congenital neutropenia and/or ELANE-related neutropenia (PMID: 23463630; Inviate). In at least one individual the variant was observed to be de novo. For these reasons, this variant has been classified as Pathogenic. This variant disrupts the p.Pro139 amino acid residue in ELANE. Other variant(s) that disrupt this residue have been determined to be pathogenic (PMID: 11001877, 14962902, 21425445, 23463630, 30040071; Invitae). This suggests that this residue is clinically significant, and that variants that disrupt this residue are likely to be disease-causing. Algorithms developed to predict the effect of missense changes on protein structure and function (SIFT, PolyPhen-2, Align-GVGD) all suggest that this variant is likely to be disruptive.

Alergia E Inmunologia Clinica Pediatrica, Hospital Civil Nuevo Dr. Juan I. Menchaca
Classification: Pathogenic for Cyclical neutropenia. Review status: no assertion criteria provided. Collection method: clinical testing. Allele origin: germline. Affected: yes. Observed: 1 variant allele. Not counted in ClinVar's aggregate classification.

Literature cited by the submitters: PubMed 23463630 (cited by Labcorp Genetics (formerly Invitae), Labcorp and Alergia E Inmunologia Clinica Pediatrica, Hospital Civil Nuevo Dr. Juan I. Menchaca); PubMed 11001877 (cited by Labcorp Genetics (formerly Invitae), Labcorp and Alergia E Inmunologia Clinica Pediatrica, Hospital Civil Nuevo Dr. Juan I. Menchaca); PubMed 14962902 (cited by Labcorp Genetics (formerly Invitae), Labcorp and Alergia E Inmunologia Clinica Pediatrica, Hospital Civil Nuevo Dr. Juan I. Menchaca); PubMed 21425445 (cited by Labcorp Genetics (formerly Invitae), Labcorp and Alergia E Inmunologia Clinica Pediatrica, Hospital Civil Nuevo Dr. Juan I. Menchaca); PubMed 30040071 (cited by Labcorp Genetics (formerly Invitae), Labcorp and Alergia E Inmunologia Clinica Pediatrica, Hospital Civil Nuevo Dr. Juan I. Menchaca); DOI 10.3389/fimmu.2023.1194262 (cited by Alergia E Inmunologia Clinica Pediatrica, Hospital Civil Nuevo Dr. Juan I. Menchaca).